The following is an entry in ClinVar:

ClinVar aggregate classification (germline): Uncertain significance/Uncertain risk allele. Review status: criteria provided, multiple submitters, no conflicts (2 of 4 stars). 3 submissions from 3 submitters: Uncertain significance (1); Uncertain risk allele (1). 1 of the submissions does not count toward it. Last evaluated 2022-03-29.

Conditions:
Wolfram syndrome 1 (WFS1). Identifiers: Orphanet 3463, MedGen C4551693, MONDO:0009101, OMIM 222300.
Cataract 41 (CTRCT41). Also called: CATARACT 41, CONGENITAL NUCLEAR TYPE. Identifiers: Orphanet 91492, Orphanet 98991, Orphanet 98992, Orphanet 98995, MedGen C3805412, MONDO:0007287, OMIM 116400.
Autosomal dominant nonsyndromic hearing loss 6 (LFSNHL). Also called: DEAFNESS, AUTOSOMAL DOMINANT 6; DEAFNESS, AUTOSOMAL DOMINANT 14; DEAFNESS, AUTOSOMAL DOMINANT 38; Autosomal dominant nonsyndromic deafness 6. Identifiers: Orphanet 90635, MedGen C1833021, MONDO:0010963, OMIM 600965.
Type 2 diabetes mellitus. Also called: Type II diabetes mellitus. Identifiers: MedGen C0011860, MeSH D003924, MONDO:0005148, OMIM 125853, HP:0005978.
Wolfram-like syndrome. Also called: HEARING LOSS, PROGRESSIVE, WITH OPTIC ATROPHY AND/OR IMPAIRED GLUCOSE REGULATION. Identifiers: Orphanet 411590, MedGen C3280358, MONDO:0013673, OMIM 614296.

Submissions (3):

Fulgent Genetics
Classification: Uncertain significance for Cataract 41; Type 2 diabetes mellitus; Wolfram syndrome 1; Autosomal dominant nonsyndromic hearing loss 6; Wolfram-like syndrome. Last evaluated: 2022-03-29. Review status: criteria provided, single submitter. Criteria: ACMG Guidelines, 2015. Collection method: clinical testing. Allele origin: unknown.

Clinical Genomics, Uppaluri K&H Personalized Medicine Clinic
Classification: Uncertain risk allele for Wolfram syndrome 1. Review status: criteria provided, single submitter. Criteria: K & H Uppaluri Personalized Medicine Clinic Variant Classification & Assertion Criteria_Updated V.1. Collection method: research. Allele origin: unknown. Inheritance: Autosomal recessive inheritance.
Comment: Potent mutations in WFS1 gene are associated with Wolfram's syndrome, an autosomal recessive condition, which cause diabetes mellitus, diabetes insipidus, deafness and optic atrophy. However no sufficient evidence is found to ascertain the role of this particular variant rs1560421124 in Wolfram's syndrome yet.

Gharavi Laboratory, Columbia University
Classification: Uncertain significance. Last evaluated: 2018-09-16. Review status: no assertion criteria provided. Criteria: ACMG Guidelines, 2015. Collection method: research. Allele origin: germline. Affected: yes. Not counted in ClinVar's aggregate classification.

Literature cited by the submitters: PubMed 20738327 (cited by Clinical Genomics, Uppaluri K&H Personalized Medicine Clinic); PubMed 33879153 (cited by Clinical Genomics, Uppaluri K&H Personalized Medicine Clinic); PubMed 12955714 (cited by Clinical Genomics, Uppaluri K&H Personalized Medicine Clinic); PubMed 18060660 (cited by Clinical Genomics, Uppaluri K&H Personalized Medicine Clinic); PubMed 20301750 (cited by Clinical Genomics, Uppaluri K&H Personalized Medicine Clinic); PubMed 17603484 (cited by Clinical Genomics, Uppaluri K&H Personalized Medicine Clinic).

NM_006005.3(WFS1):c.2183G>A (p.Gly728Asp)

Gene: WFS1 (wolframin ER transmembrane glycoprotein; plus strand). Cytogenetic location: 4p16.1.
Variant type: single nucleotide variant.
Coding change: c.2183G>A on transcript NM_006005.3 (MANE Select); coding-DNA position 2183, G replaced by A.
Protein change: p.Gly728Asp; replaces glycine 728 with aspartic acid.
Molecular consequence: missense variant.
Genome position (GRCh38, 1-based): chr4:6,301,978, G>A. VCF-style: chr4-6301978-G-A. GRCh37 (hg19) VCF-style: chr4-6303705-G-A.
Other names: c.2183G>A, p.Gly728Asp (NM_001145853.1); short protein forms G728D.
Identifiers: ClinVar variation 591295 (VCV000591295.3), dbSNP rs1560421124, ClinGen allele CA356178023.